The following is an entry in ClinVar:

ClinVar aggregate classification (germline): Uncertain significance (1 of 4 stars; one submission).

Conditions:
Emery-Dreifuss muscular dystrophy 4, autosomal dominant (EDMD4). Also called: EMERY-DREIFUSS MUSCULAR DYSTROPHY 4 WITH VARIABLE FEATURES. Identifiers: Orphanet 261, MedGen C2751807, MONDO:0013071, OMIM 612998.
Autosomal recessive ataxia, Beauce type. Also called: SYNE1 Deficiency; Spinocerebellar ataxia, autosomal recessive 8; ATAXIA, RECESSIVE, OF BEAUCE; SYNE1-Related Autosomal Recessive Cerebellar Ataxia. Identifiers: Orphanet 88644, MedGen C1853116, MONDO:0012549, OMIM 610743.

Allele frequency attached by ClinVar (database versions not stated): ExAC 0.00001; gnomAD 0.00002; gnomAD exomes 0.00002; TOPMed 0.00002.
gnomAD v4.1: 43 of 1,613,988 alleles (0.0027%); highest among the groups gnomAD compares: Middle Eastern, 0.033%; no homozygotes.

Submission:

Labcorp Genetics (formerly Invitae), Labcorp
Classification: Uncertain significance for Emery-Dreifuss muscular dystrophy 4, autosomal dominant; Autosomal recessive ataxia, Beauce type. Last evaluated: 2022-06-24. Review status: criteria provided, single submitter. Criteria: Invitae Variant Classification Sherloc (09022015). Collection method: clinical testing. Allele origin: germline.
Comment: This sequence change replaces serine, which is neutral and polar, with phenylalanine, which is neutral and non-polar, at codon 2161 of the SYNE1 protein (p.Ser2161Phe). This variant is present in population databases (rs202107702, gnomAD 0.003%). This variant has not been reported in the literature in individuals affected with SYNE1-related conditions. Algorithms developed to predict the effect of missense changes on protein structure and function (SIFT, PolyPhen-2, Align-GVGD) all suggest that this variant is likely to be tolerated. In summary, the available evidence is currently insufficient to determine the role of this variant in disease. Therefore, it has been classified as a Variant of Uncertain Significance.

NM_182961.4(SYNE1):c.6461C>T (p.Ser2154Phe)

Gene: SYNE1 (spectrin repeat containing nuclear envelope protein 1; minus strand). Cytogenetic location: 6q25.2.
Variant type: single nucleotide variant.
Coding change: c.6461C>T on transcript NM_182961.4 (MANE Select); coding-DNA position 6461, C replaced by T.
Protein change: p.Ser2154Phe; replaces serine 2154 with phenylalanine.
Molecular consequence: missense variant.
Genome position (GRCh38, 1-based): chr6:152,409,147, G>A on the plus strand (C>T on the coding strand, the complement: SYNE1 is on the minus strand). VCF-style: chr6-152409147-G-A. GRCh37 (hg19) VCF-style: chr6-152730282-G-A.
Other names: c.6482C>T, p.Ser2161Phe (NM_033071.5); short protein forms S2154F, S2161F.
Identifiers: ClinVar variation 1968332 (VCV001968332.2), dbSNP rs202107702, ClinGen allele CA4058064.
Genomic context (GRCh38, chr6:152,409,147, plus strand): 5'-GTGCTCTCCATGTCTGTTTTCACCAAGCTGAAATCACTACTGTGAATTTTCTTCAGCTCA[G>A]ATAACAAGTGTTTTCCTTTGCTGGTAAAGTTATCCAAGTCTTTCTGTTTGTAATTCATTT-3'
Protein context (NP_892006.3, residues 2144-2164): NFTSKGKHLL[Ser2154Phe]ELKKIHSSDF